The following is an entry in ClinVar:

ClinVar aggregate classification (germline): Likely benign. Review status: reviewed by expert panel (3 of 4 stars). 2 submissions from 2 submitters: Likely benign (1). 1 of the submissions does not count toward it. Last evaluated 2017-06-29.

Conditions:
Hereditary cancer-predisposing syndrome. Also called: Hereditary Cancer Syndrome; Neoplastic Syndromes, Hereditary; Tumor predisposition; Hereditary neoplastic syndrome. Identifiers: Orphanet 140162, MedGen C0027672, MeSH D009386, MONDO:0015356.
Breast-ovarian cancer, familial, susceptibility to, 2 (BROVCA2). Also called: BRCA2 Hereditary Breast and Ovarian Cancer. Identifiers: Orphanet 145, MedGen C2675520, MONDO:0012933, OMIM 612555. Disease mechanism: loss of function.

Allele frequency attached by ClinVar (database versions not stated): TOPMed below 0.00001.

Submissions (2):

Evidence-based Network for the Interpretation of Germline Mutant Alleles (ENIGMA)
Classification: Likely benign for Breast-ovarian cancer, familial, susceptibility to, 2. Last evaluated: 2017-06-29. Review status: reviewed by expert panel. Criteria: ENIGMA BRCA1/2 Classification Criteria (2017-06-29). Collection method: curation. Allele origin: germline.
Comment: Synonymous substitution variant, with low bioinformatic likelihood to result in a splicing aberration (Splicing prior probability 0.02).

Ambry Genetics
Classification: Likely benign for Hereditary cancer-predisposing syndrome. Last evaluated: 2015-04-08. Review status: criteria provided, single submitter. Criteria: Ambry Variant Classification Scheme 2023. Collection method: clinical testing. Allele origin: germline. Not counted in ClinVar's aggregate classification.

NM_000059.4(BRCA2):c.4485C>T (p.Val1495=)

Gene: BRCA2 (BRCA2 DNA repair associated; plus strand). Cytogenetic location: 13q13.1.
Variant type: single nucleotide variant.
Coding change: c.4485C>T on transcript NM_000059.4 (MANE Select); coding-DNA position 4485, C replaced by T.
Protein change: p.Val1495=; no amino-acid change (valine 1495 retained).
Molecular consequence: synonymous variant.
Genome position (GRCh38, 1-based): chr13:32,338,840, C>T. VCF-style: chr13-32338840-C-T. GRCh37 (hg19) VCF-style: chr13-32912977-C-T.
Identifiers: ClinVar variation 231343 (VCV000231343.7), dbSNP rs863224307, ClinGen allele CA10579620.